The following is an entry in ClinVar:

NM_018474.6(KIZ):c.1331C>G (p.Ser444Cys)

Gene: KIZ (kizuna centrosomal protein; plus strand). Cytogenetic location: 20p11.23.
Variant type: single nucleotide variant.
Coding change: c.1331C>G on transcript NM_018474.6 (MANE Select); coding-DNA position 1331, C replaced by G.
Protein change: p.Ser444Cys; replaces serine 444 with cysteine.
Molecular consequence: missense variant.
Genome position (GRCh38, 1-based): chr20:21,163,138, C>G. VCF-style: chr20-21163138-C-G. GRCh37 (hg19) VCF-style: chr20-21143779-C-G.
Other names: c.1022C>G, p.Ser341Cys (NM_001163022.3, NM_001352435.2); c.932C>G, p.Ser311Cys (NM_001163023.3); c.1184C>G, p.Ser395Cys (NM_001276389.2); c.1331C>G, p.Ser444Cys (NM_001352434.2); c.989C>G, p.Ser330Cys (NM_001352436.2); c.1331C>G (NM_018474.5); short protein forms S311C, S330C, S341C, S395C, S444C.
Identifiers: ClinVar variation 1165069 (VCV001165069.11), dbSNP rs80251208, ClinGen allele CA9784814.
Genomic context (GRCh38, chr20:21,163,138, plus strand): 5'-CCACTGAAAAAAATTGTATTTTGCAAACCCTAAGCTCTCCTGATTCAGAAAAGGAATCCT[C>G]CACTAACGCACCAACAAGAGAGTAAGCCATTCAATTTTTTTTTTCTACTGTTCTGTTTTT-3'
Protein context (NP_060944.3, residues 434-454): LSSPDSEKES[Ser444Cys]TNAPTREPGQ

ClinVar aggregate classification (germline): Benign/Likely benign. Review status: criteria provided, multiple submitters, no conflicts (2 of 4 stars). 4 submissions from 4 submitters: Benign (1); Likely benign (2). 1 of the submissions does not count toward it. Last evaluated 2025-12-30.

Conditions:
Retinitis pigmentosa 69 (RP69). Identifiers: Orphanet 791, MedGen C4014312, MONDO:0014345, OMIM 615780.
KIZ-related disorder. Also called: KIZ-related condition.

Allele frequency attached by ClinVar (database versions not stated): gnomAD exomes 0.00021 and 0.00055; ExAC 0.00073; gnomAD 0.00210 and 0.00225; ESP Exome Variant Server 0.00219; TOPMed 0.00247; 1000 Genomes Project 30x 0.00312; 1000 Genomes Project 0.00319.
gnomAD v4.1: 624 of 1,610,948 alleles (0.039%); highest among the groups gnomAD compares: African/African-American, 0.77%; 4 homozygotes.

Submissions (4):

Labcorp Genetics (formerly Invitae), Labcorp
Classification: Benign. Last evaluated: 2025-12-30. Review status: criteria provided, single submitter. Criteria: Invitae Variant Classification Sherloc (09022015). Collection method: clinical testing. Allele origin: germline.

Blueprint Genetics
Classification: Likely benign. Last evaluated: 2024-11-13. Review status: criteria provided, single submitter. Criteria: ACMG Guidelines, 2015. Collection method: clinical testing. Allele origin: germline.

Fulgent Genetics
Classification: Likely benign for Retinitis pigmentosa 69. Last evaluated: 2021-11-10. Review status: criteria provided, single submitter. Criteria: ACMG Guidelines, 2015. Collection method: clinical testing. Allele origin: unknown.

PreventionGenetics, part of Exact Sciences
Classification: Benign for KIZ-related condition. Last evaluated: 2019-09-20. Review status: no assertion criteria provided. Collection method: clinical testing. Allele origin: germline. Not counted in ClinVar's aggregate classification.
Comment: This variant is classified as benign based on ACMG/AMP sequence variant interpretation guidelines (Richards et al. 2015 PMID: 25741868, with internal and published modifications).